The following is an entry in ClinVar:

ClinVar aggregate classification (germline): Conflicting classifications of pathogenicity. Review status: criteria provided, conflicting classifications (1 of 4 stars). 5 submissions from 5 submitters: Uncertain significance (4); Likely benign (1). Last evaluated 2025-09-03.

Conditions:
Hereditary cancer-predisposing syndrome. Also called: Hereditary neoplastic syndrome; Neoplastic Syndromes, Hereditary; Tumor predisposition; Hereditary Cancer Syndrome. Identifiers: Orphanet 140162, MedGen C0027672, MeSH D009386, MONDO:0015356.
Hereditary nonpolyposis colorectal neoplasms. Identifiers: MedGen C0009405, MeSH D003123.

Allele frequency attached by ClinVar (database versions not stated): gnomAD below 0.00001 and 0.00001; gnomAD exomes below 0.00001.
gnomAD v4.1: 2 of 1,614,018 alleles (0.00012%); highest among the groups gnomAD compares: East Asian, 0.0022%; no homozygotes.

Submissions (5):

Labcorp Genetics (formerly Invitae), Labcorp
Classification: Likely benign for Hereditary nonpolyposis colorectal neoplasms. Last evaluated: 2025-09-03. Review status: criteria provided, single submitter. Criteria: Invitae Variant Classification Sherloc (09022015). Collection method: clinical testing. Allele origin: germline.

Ambry Genetics
Classification: Uncertain significance for Hereditary cancer-predisposing syndrome. Last evaluated: 2025-01-31. Review status: criteria provided, single submitter. Criteria: Ambry Variant Classification Scheme 2023. Collection method: clinical testing. Allele origin: germline.
Comment: The p.M662K variant (also known as c.1985T>A), located in coding exon 4 of the MSH6 gene, results from a T to A substitution at nucleotide position 1985. The methionine at codon 662 is replaced by lysine, an amino acid with similar properties. This amino acid position is conserved. In addition, this alteration is predicted to be deleterious by in silico analysis. Since supporting evidence is limited at this time, the clinical significance of this alteration remains unclear.

Color Diagnostics, LLC DBA Color Health
Classification: Uncertain significance for Hereditary cancer-predisposing syndrome. Last evaluated: 2024-03-07. Review status: criteria provided, single submitter. Criteria: ACMG Guidelines, 2015. Collection method: clinical testing. Allele origin: germline.
Comment: This missense variant replaces methionine with lysine at codon 662 of the MSH6 protein. Computational prediction suggests that this variant may have deleterious impact on protein structure and function (internally defined REVEL score threshold >= 0.7, PMID: 27666373). To our knowledge, functional studies have not been reported for this variant. This variant has not been reported in individuals affected with hereditary cancer in the literature. This variant has been identified in 1/251126 chromosomes in the general population by the Genome Aggregation Database (gnomAD). The available evidence is insufficient to determine the role of this variant in disease conclusively. Therefore, this variant is classified as a Variant of Uncertain Significance.

Blueprint Genetics
Classification: Uncertain significance. Last evaluated: 2021-11-09. Review status: criteria provided, single submitter. Criteria: ACMG Guidelines, 2015. Collection method: clinical testing. Allele origin: germline.

Sema4
Classification: Uncertain significance for Hereditary cancer-predisposing syndrome. Last evaluated: 2021-05-18. Review status: criteria provided, single submitter. Criteria: Sema4 Curation Guidelines. Collection method: curation. Allele origin: germline.
Comment: The MSH6 c.1985T>A (p.M662K) variant has not been reported in the literature to our knowledge. It was observed in 1/18394 chromosomes of the East Asian subpopulation in the large and broad cohorts of the Genome Aggregation Database (PMID: 32461654) and has been reported in ClinVar (Variation ID 1025897). In silico tools suggest the impact of the variant on protein function is deleterious, though these predictions have not been confirmed by functional studies. The evidence is insufficient to meet ACMG/AMP criteria for classifying the variant as benign or pathogenic. Thus, the clinical significance of this variant is currently uncertain.

NM_000179.3(MSH6):c.1985T>A (p.Met662Lys)

Gene: MSH6 (mutS homolog 6; plus strand). Cytogenetic location: 2p16.3.
Variant type: single nucleotide variant.
Coding change: c.1985T>A on transcript NM_000179.3 (MANE Select); coding-DNA position 1985, T replaced by A.
Protein change: p.Met662Lys; replaces methionine 662 with lysine.
Molecular consequence: missense variant.
Genome position (GRCh38, 1-based): chr2:47,799,968, T>A. VCF-style: chr2-47799968-T-A. GRCh37 (hg19) VCF-style: chr2-48027107-T-A.
Other names: c.1595T>A, p.Met532Lys (NM_001281492.2); c.1079T>A, p.Met360Lys (NM_001281493.2, NM_001281494.2); short protein forms M360K, M532K, M662K.
Identifiers: ClinVar variation 1025897 (VCV001025897.15), dbSNP rs1553413349, ClinGen allele CA346750633.